The following is an entry in ClinVar:

NM_004260.4(RECQL4):c.1211T>C (p.Phe404Ser)

Gene: RECQL4 (RecQ like helicase 4; minus strand). Cytogenetic location: 8q24.3.
Variant type: single nucleotide variant.
Coding change: c.1211T>C on transcript NM_004260.4 (MANE Select); coding-DNA position 1211, T replaced by C.
Protein change: p.Phe404Ser; replaces phenylalanine 404 with serine.
Molecular consequence: missense variant. On other transcripts: non-coding transcript variant (3), intron variant (1), synonymous variant (5).
Genome position (GRCh38, 1-based): chr8:144,515,811, A>G on the plus strand (T>C on the coding strand, the complement: RECQL4 is on the minus strand). VCF-style: chr8-144515811-A-G. GRCh37 (hg19) VCF-style: chr8-145741195-A-G.
Other names: c.-210+177T>C (NM_001413043.1); c.1211T>C, p.Phe404Ser (NM_001413033.1, NM_001413036.1, NM_001413039.1 and 2 more transcripts); c.140T>C, p.Phe47Ser (NM_001413034.1, NM_001413035.1, NM_001413037.1 and 8 more transcripts); c.78T>C, p.Phe26= (NM_001413041.1, NM_001413027.1, NM_001413030.1 and 2 more transcripts); c.1115T>C, p.Phe372Ser (NM_001413017.1, NM_001413020.1); c.1082T>C, p.Phe361Ser (NM_001413025.1); c.860T>C, p.Phe287Ser (NM_001413029.1); short protein forms F404S, F361S, F47S, F287S, F372S.
Identifiers: ClinVar variation 3699428 (VCV003699428.2).

ClinVar aggregate classification (germline): Uncertain significance (1 of 4 stars; one submission).

Conditions:
Baller-Gerold syndrome (BGS). Also called: CRANIOSYNOSTOSIS WITH RADIAL DEFECTS. Identifiers: Orphanet 1225, MedGen C0265308, MONDO:0009039, OMIM 218600.

Submission:

Labcorp Genetics (formerly Invitae), Labcorp
Classification: Uncertain significance for Baller-Gerold syndrome. Last evaluated: 2025-01-07. Review status: criteria provided, single submitter. Criteria: Invitae Variant Classification Sherloc (09022015). Collection method: clinical testing. Allele origin: germline.
Comment: This sequence change replaces phenylalanine, which is neutral and non-polar, with serine, which is neutral and polar, at codon 404 of the RECQL4 protein (p.Phe404Ser). This variant is not present in population databases (gnomAD no frequency). This variant has not been reported in the literature in individuals affected with RECQL4-related conditions. Invitae Evidence Modeling of protein sequence and biophysical properties (such as structural, functional, and spatial information, amino acid conservation, physicochemical variation, residue mobility, and thermodynamic stability) indicates that this missense variant is not expected to disrupt RECQL4 protein function with a negative predictive value of 80%. In summary, the available evidence is currently insufficient to determine the role of this variant in disease. Therefore, it has been classified as a Variant of Uncertain Significance.